The following is an entry in ClinVar:

ClinVar aggregate classification (germline): Uncertain significance (1 of 4 stars; one submission).

Conditions:
Alpha thalassemia-X-linked intellectual disability syndrome (ATRX). Also called: ALPHA-THALASSEMIA/MENTAL RETARDATION SYNDROME, X-LINKED; ATR, NONDELETION TYPE; ATR-X syndrome; Alpha thalassemia mental retardation syndrome, nondeletion type, X-linked; XLMR hypotonic face syndrome; X-linked alpha-thalassemia-mental retardation syndrome. Identifiers: Orphanet 847, MedGen C1845055, MONDO:0010519, OMIM 301040.

Submission:

Centre for Mendelian Genomics, University Medical Centre Ljubljana
Classification: Uncertain significance for Alpha thalassemia-X-linked intellectual disability syndrome. Last evaluated: 2019-10-24. Review status: criteria provided, single submitter. Criteria: ACMG Guidelines, 2015. Collection method: clinical testing. Allele origin: unknown. Affected: yes.
Comment: This variant was classified as: Uncertain significance. The available evidence on this variant's pathogenicity is insufficient or conflicting. The following ACMG criteria were applied in classifying this variant: PM2,PP3. This variant was detected in hemizygous state.

NM_000489.6(ATRX):c.4199A>T (p.Gln1400Leu)

Gene: ATRX (ATRX chromatin remodeler; minus strand). Cytogenetic location: Xq21.1.
Variant type: single nucleotide variant.
Coding change: c.4199A>T on transcript NM_000489.6 (MANE Select); coding-DNA position 4199, A replaced by T.
Protein change: p.Gln1400Leu; replaces glutamine 1400 with leucine.
Molecular consequence: missense variant.
Genome position (GRCh38, 1-based): chrX:77,656,575, T>A on the plus strand (A>T on the coding strand, the complement: ATRX is on the minus strand). VCF-style: chrX-77656575-T-A. GRCh37 (hg19) VCF-style: chrX-76912065-T-A.
Other names: c.4085A>T, p.Gln1362Leu (NM_138270.5); short protein forms Q1400L, Q1362L.
Identifiers: ClinVar variation 930817 (VCV000930817.3), dbSNP rs2069567164, ClinGen allele CA413710522.